The following is an entry in ClinVar:

NM_006070.6(TFG):c.1079G>A (p.Arg360Lys)

Gene: TFG (trafficking from ER to golgi regulator; plus strand). Cytogenetic location: 3q12.2.
Variant type: single nucleotide variant.
Coding change: c.1079G>A on transcript NM_006070.6 (MANE Select); coding-DNA position 1079, G replaced by A.
Protein change: p.Arg360Lys; replaces arginine 360 with lysine.
Molecular consequence: missense variant.
Genome position (GRCh38, 1-based): chr3:100,748,407, G>A. VCF-style: chr3-100748407-G-A. GRCh37 (hg19) VCF-style: chr3-100467251-G-A.
Other names: c.1079G>A, p.Arg360Lys (NM_001007565.2, NM_001195478.2); c.1067G>A, p.Arg356Lys (NM_001195479.2); short protein forms R356K, R360K.
Identifiers: ClinVar variation 1562600 (VCV001562600.9), dbSNP rs753259754, ClinGen allele CA2517250.

ClinVar aggregate classification (germline): Likely benign. Review status: criteria provided, multiple submitters, no conflicts (2 of 4 stars). 2 submissions from 2 submitters: Likely benign (2). Last evaluated 2026-03-24.

Conditions:
Hereditary motor and sensory neuropathy, Okinawa type (HMSNO). Also called: HEREDITARY MOTOR AND SENSORY NEUROPATHY, PROXIMAL TYPE. Identifiers: Orphanet 90117, MedGen C1858338, MONDO:0011468, OMIM 604484.
Hereditary spastic paraplegia 57. Also called: Spastic paraplegia 57, autosomal recessive. Identifiers: Orphanet 431329, MedGen C3714897, MONDO:0014295, OMIM 615658.

Allele frequency attached by ClinVar (database versions not stated): TOPMed 0.00004; gnomAD 0.00005; ExAC 0.00014.
gnomAD v4.1: 28 of 1,613,956 alleles (0.0017%); highest among the groups gnomAD compares: East Asian, 0.058%; no homozygotes.

Submissions (2):

Women's Health and Genetics/Laboratory Corporation of America, LabCorp
Classification: Likely benign. Last evaluated: 2026-03-24. Review status: criteria provided, single submitter. Criteria: LabCorp Variant Classification Summary - May 2015. Collection method: clinical testing. Allele origin: germline.
Comment: Variant summary: TFG c.1079G>A (p.Arg360Lys) results in a conservative amino acid change in the encoded protein sequence. Algorithms developed to predict the effect of missense changes on protein structure and function are either unavailable or do not agree on the potential impact of this missense change. The variant allele was found at a frequency of 0.00012 in 251088 control chromosomes, predominantly at a frequency of 0.0016 within the East Asian subpopulation in the gnomAD database. The observed variant frequency within East Asian control individuals in the gnomAD database exceeds the estimated maximal expected allele frequency for disease-causing variants in TFG. c.1079G>A has been observed in at least two individuals affected with amyotrophic lateral sclerosis, but it was also found in healthy controls (e.g. Nakamura_2016, Li_2022) . These reports do not provide unequivocal conclusions about association of the variant with TFG-related conditions. To our knowledge, no experimental evidence demonstrating an impact on protein function has been reported. The following publications have been ascertained in the context of this evaluation (PMID: 35642252, 26742954). ClinVar contains an entry for this variant (Variation ID: 1562600). Based on the evidence outlined above, the variant was classified as likely benign.

Labcorp Genetics (formerly Invitae), Labcorp
Classification: Likely benign for Hereditary motor and sensory neuropathy, Okinawa type; Hereditary spastic paraplegia 57. Last evaluated: 2025-05-15. Review status: criteria provided, single submitter. Criteria: Invitae Variant Classification Sherloc (09022015). Collection method: clinical testing. Allele origin: germline.

Literature cited by the submitters: PubMed 35642252 (cited by Women's Health and Genetics/Laboratory Corporation of America, LabCorp); PubMed 26742954 (cited by Women's Health and Genetics/Laboratory Corporation of America, LabCorp).